The following is an entry in ClinVar:

ClinVar aggregate classification (germline): Uncertain significance (1 of 4 stars; one submission).

gnomAD v4.1: 1 of 1,612,488 alleles (0.000062%); highest among the groups gnomAD compares: Non-Finnish European, 0.000085%; no homozygotes.

Submission:

GeneDx
Classification: Uncertain significance. Last evaluated: 2026-03-19. Review status: criteria provided, single submitter. Criteria: GeneDx Variant Classification Process June 2021. Collection method: clinical testing. Allele origin: germline.
Comment: Not observed at significant frequency in large population cohorts (gnomAD); In silico analysis supports that this missense variant has a deleterious effect on protein structure/function; Has not been previously published as pathogenic or benign to our knowledge

NM_006767.4(LZTR1):c.1874T>G (p.Ile625Arg)

Gene: LZTR1 (leucine zipper like post translational regulator 1; plus strand). Cytogenetic location: 22q11.21.
Variant type: single nucleotide variant.
Coding change: c.1874T>G on transcript NM_006767.4 (MANE Select); coding-DNA position 1874, T replaced by G.
Protein change: p.Ile625Arg; replaces isoleucine 625 with arginine.
Molecular consequence: missense variant.
Genome position (GRCh38, 1-based): chr22:20,994,958, T>G. VCF-style: chr22-20994958-T-G. GRCh37 (hg19) VCF-style: chr22-21349247-T-G.
Other names: short protein forms I625R.
Identifiers: ClinVar variation 5009476 (VCV005009476.1).